The following is an entry in ClinVar:

NM_001009944.3(PKD1):c.1386-9C>T

Gene: PKD1 (polycystin 1, transient receptor potential channel interacting; minus strand). Cytogenetic location: 16p13.3.
Variant type: single nucleotide variant.
Coding change: c.1386-9C>T on transcript NM_001009944.3 (MANE Select); 9 bases into the intron before coding-DNA position 1386, C replaced by T.
Molecular consequence: intron variant.
Genome position (GRCh38, 1-based): chr16:2,117,062, G>A on the plus strand (C>T on the coding strand, the complement: PKD1 is on the minus strand). VCF-style: chr16-2117062-G-A. GRCh37 (hg19) VCF-style: chr16-2167063-G-A.
Other names: c.1386-9C>T (NM_000296.4).
Identifiers: ClinVar variation 4990476 (VCV004990476.1).

ClinVar aggregate classification (germline): Likely benign (1 of 4 stars; one submission).

Conditions:
PKD1-related disorder. Also called: PKD1-related condition.

gnomAD v4.1: 42 of 1,519,060 alleles (0.0028%); highest among the groups gnomAD compares: East Asian, 0.0069%; no homozygotes.

Submission:

PreventionGenetics, part of Exact Sciences
Classification: Likely benign for PKD1-related condition. Last evaluated: 2026-03-11. Review status: criteria provided, single submitter. Criteria: ACMG Guidelines, 2015. Collection method: clinical testing. Allele origin: germline.
Comment: This variant is classified as likely benign based on ACMG/AMP sequence variant interpretation guidelines (Richards et al. 2015 PMID: 25741868, with internal and published modifications).